The following is an entry in ClinVar:

NM_001370466.1(NOD2):c.979T>C (p.Cys327Arg)

Gene: NOD2 (nucleotide binding oligomerization domain containing 2; plus strand). Cytogenetic location: 16q12.1.
Variant type: single nucleotide variant.
Coding change: c.979T>C on transcript NM_001370466.1 (MANE Select); coding-DNA position 979, T replaced by C.
Protein change: p.Cys327Arg; replaces cysteine 327 with arginine.
Molecular consequence: missense variant. On other transcripts: non-coding transcript variant (1).
Genome position (GRCh38, 1-based): chr16:50,710,971, T>C. VCF-style: chr16-50710971-T-C. GRCh37 (hg19) VCF-style: chr16-50744882-T-C.
Other names: c.979T>C, p.Cys327Arg (NM_001293557.2); c.1060T>C, p.Cys354Arg (NM_022162.3); short protein forms C354R, C327R.
Identifiers: ClinVar variation 1897641 (VCV001897641.5), dbSNP rs1964448009, ClinGen allele CA395868138.

ClinVar aggregate classification (germline): Uncertain significance (1 of 4 stars; one submission).

Conditions:
Regional enteritis. Also called: Enteritis, Granulomatous. Identifiers: MedGen C0678202, MeSH D003424.
Blau syndrome (BLAUS). Also called: ARTHROCUTANEOUVEAL GRANULOMATOSIS; GRANULOMATOSIS, FAMILIAL JUVENILE SYSTEMIC; GRANULOMATOSIS, FAMILIAL, BLAU TYPE; GRANULOMATOUS INFLAMMATORY ARTHRITIS, DERMATITIS, AND UVEITIS, FAMILIAL; JABS SYNDROME. Identifiers: Orphanet 90340, MedGen C5201146, MONDO:0008523, OMIM 186580.

Allele frequency attached by ClinVar (database versions not stated): gnomAD exomes below 0.00001; TOPMed below 0.00001; gnomAD 0.00001.
gnomAD v4.1: 2 of 1,614,114 alleles (0.00012%); highest among the groups gnomAD compares: Non-Finnish European, 0.00017%; no homozygotes.

Submission:

Labcorp Genetics (formerly Invitae), Labcorp
Classification: Uncertain significance for Regional enteritis; Blau syndrome. Last evaluated: 2022-04-20. Review status: criteria provided, single submitter. Criteria: Invitae Variant Classification Sherloc (09022015). Collection method: clinical testing. Allele origin: germline.
Comment: Algorithms developed to predict the effect of missense changes on protein structure and function are either unavailable or do not agree on the potential impact of this missense change (SIFT: "Deleterious"; PolyPhen-2: "Probably Damaging"; Align-GVGD: "Class C0"). This variant has not been reported in the literature in individuals affected with NOD2-related conditions. This variant is not present in population databases (gnomAD no frequency). This sequence change replaces cysteine, which is neutral and slightly polar, with arginine, which is basic and polar, at codon 354 of the NOD2 protein (p.Cys354Arg). In summary, the available evidence is currently insufficient to determine the role of this variant in disease. Therefore, it has been classified as a Variant of Uncertain Significance.